The following is an entry in ClinVar:

ClinVar aggregate classification (germline): Uncertain significance (1 of 4 stars; one submission).

Conditions:
Dyskeratosis congenita. Identifiers: Orphanet 1775, MedGen C0265965, MONDO:0015780.

gnomAD v4.1: 1 of 1,611,994 alleles (0.000062%); highest among the groups gnomAD compares: Middle Eastern, 0.017%; no homozygotes.

Submission:

Labcorp Genetics (formerly Invitae), Labcorp
Classification: Uncertain significance for Dyskeratosis congenita. Last evaluated: 2020-04-21. Review status: criteria provided, single submitter. Criteria: Invitae Variant Classification Sherloc (09022015). Collection method: clinical testing. Allele origin: germline.
Comment: In summary, the available evidence is currently insufficient to determine the role of this variant in disease. Therefore, it has been classified as a Variant of Uncertain Significance. This sequence change replaces arginine with glycine at codon 522 of the CTC1 protein (p.Arg522Gly). The arginine residue is highly conserved and there is a moderate physicochemical difference between arginine and glycine. This variant is not present in population databases (ExAC no frequency). This variant has not been reported in the literature in individuals with CTC1-related conditions. Algorithms developed to predict the effect of missense changes on protein structure and function are either unavailable or do not agree on the potential impact of this missense change (SIFT: "Deleterious"; PolyPhen-2: "Probably Damaging"; Align-GVGD: "Class C0").

NM_025099.6(CTC1):c.1564C>G (p.Arg522Gly)

Gene: CTC1 (CST telomere replication complex component 1; minus strand). Cytogenetic location: 17p13.1.
Variant type: single nucleotide variant.
Coding change: c.1564C>G on transcript NM_025099.6 (MANE Select); coding-DNA position 1564, C replaced by G.
Protein change: p.Arg522Gly; replaces arginine 522 with glycine.
Molecular consequence: missense variant. On other transcripts: non-coding transcript variant (1).
Genome position (GRCh38, 1-based): chr17:8,234,802, G>C on the plus strand (C>G on the coding strand, the complement: CTC1 is on the minus strand). VCF-style: chr17-8234802-G-C. GRCh37 (hg19) VCF-style: chr17-8138120-G-C.
Other names: short protein forms R522G.
Identifiers: ClinVar variation 1008129 (VCV001008129.9), dbSNP rs199698527, ClinGen allele CA397983833.
Genomic context (GRCh38, chr17:8,234,802, plus strand): 5'-CTCATACTTTCTGGAGGGGACAGTGATGTGGCTCTTCAAGGATCTCATTGTGTGCATTCC[G>C]AACAGGGCTGCCTGGCGGAGCTAGAAGATCCAGGGTAGGAGCCAGGAGTTGCAGTCCCAG-3'
Protein context (NP_079375.3, residues 512-532): DLLAPPGSPV[Arg522Gly]NAHNEILEEP